The following is an entry in ClinVar:

ClinVar aggregate classification (germline): Uncertain significance. Review status: criteria provided, multiple submitters, no conflicts (2 of 4 stars). 2 submissions from 2 submitters: Uncertain significance (2). Last evaluated 2025-03-15.

Conditions:
Erythrocytosis, familial, 3 (ECYT3). Identifiers: Orphanet 247511, MedGen C1853286, MONDO:0012353, OMIM 609820.

Allele frequency attached by ClinVar (database versions not stated): TOPMed below 0.00001; gnomAD 0.00001; gnomAD exomes 0.00002; ExAC 0.00003.
gnomAD v4.1: 11 of 1,558,368 alleles (0.00071%); highest among the groups gnomAD compares: Non-Finnish European, 0.00017%; no homozygotes.

Submissions (2):

Ambry Genetics
Classification: Uncertain significance. Last evaluated: 2025-03-15. Review status: criteria provided, single submitter. Criteria: Ambry Variant Classification Scheme 2023. Collection method: clinical testing. Allele origin: germline.
Comment: The p.R35G variant (also known as c.103C>G), located in coding exon 1 of the EGLN1 gene, results from a C to G substitution at nucleotide position 103. The arginine at codon 35 is replaced by glycine, an amino acid with dissimilar properties. This amino acid position is conserved. In addition, the in silico prediction for this alteration is inconclusive. Since supporting evidence is limited at this time, the clinical significance of this alteration remains unclear.

Labcorp Genetics (formerly Invitae), Labcorp
Classification: Uncertain significance for Erythrocytosis, familial, 3. Last evaluated: 2022-11-28. Review status: criteria provided, single submitter. Criteria: Invitae Variant Classification Sherloc (09022015). Collection method: clinical testing. Allele origin: germline.
Comment: This sequence change replaces arginine, which is basic and polar, with glycine, which is neutral and non-polar, at codon 35 of the EGLN1 protein (p.Arg35Gly). This variant is present in population databases (rs778100040, gnomAD 0.04%). This variant has not been reported in the literature in individuals affected with EGLN1-related conditions. ClinVar contains an entry for this variant (Variation ID: 944905). Algorithms developed to predict the effect of missense changes on protein structure and function are either unavailable or do not agree on the potential impact of this missense change (SIFT: "Tolerated"; PolyPhen-2: "Possibly Damaging"; Align-GVGD: "Class C0"). In summary, the available evidence is currently insufficient to determine the role of this variant in disease. Therefore, it has been classified as a Variant of Uncertain Significance.

NM_022051.3(EGLN1):c.103C>G (p.Arg35Gly)

Gene: EGLN1 (egl-9 family hypoxia inducible factor 1; minus strand). Cytogenetic location: 1q42.2.
Variant type: single nucleotide variant.
Coding change: c.103C>G on transcript NM_022051.3 (MANE Select); coding-DNA position 103, C replaced by G.
Protein change: p.Arg35Gly; replaces arginine 35 with glycine.
Molecular consequence: missense variant.
Genome position (GRCh38, 1-based): chr1:231,421,786, G>C on the plus strand (C>G on the coding strand, the complement: EGLN1 is on the minus strand). VCF-style: chr1-231421786-G-C. GRCh37 (hg19) VCF-style: chr1-231557532-G-C.
Other names: c.103C>G, p.Arg35Gly (NM_001377260.1, NM_001377261.1); short protein forms R35G.
Identifiers: ClinVar variation 944905 (VCV000944905.9), dbSNP rs778100040, ClinGen allele CA1453206.
Genomic context (GRCh38, chr1:231,421,786, plus strand): 5'-TGTGCTTCTTCCAGTCCTGACGCTGGTGCTCCTTGCAGCAGTAGAAGGAGCTGCGGCAGC[G>C]GCTGCAGCGCAGCAGGTTCTCCATCTTCCCGCACAGCTCGCAGTACTGCCGGTCTCGCTC-3'
Protein context (NP_071334.1, residues 25-45): GKMENLLRCS[Arg35Gly]CRSSFYCCKE